The following is an entry in ClinVar:

NM_002972.4(SBF1):c.3068C>G (p.Thr1023Ser)

Gene: SBF1 (SET binding factor 1; minus strand). Cytogenetic location: 22q13.33.
Variant type: single nucleotide variant.
Coding change: c.3068C>G on transcript NM_002972.4 (MANE Select); coding-DNA position 3068, C replaced by G.
Protein change: p.Thr1023Ser; replaces threonine 1023 with serine.
Molecular consequence: missense variant.
Genome position (GRCh38, 1-based): chr22:50,460,612, G>C on the plus strand (C>G on the coding strand, the complement: SBF1 is on the minus strand). VCF-style: chr22-50460612-G-C. GRCh37 (hg19) VCF-style: chr22-50899041-G-C.
Other names: c.3071C>G, p.Thr1024Ser (NM_001365819.1); c.3068C>G (NM_002972.2); short protein forms T1023S, T1024S.
Identifiers: ClinVar variation 1388035 (VCV001388035.7), dbSNP rs548786259, ClinGen allele CA10316898.

ClinVar aggregate classification (germline): Uncertain significance. Review status: criteria provided, multiple submitters, no conflicts (2 of 4 stars). 3 submissions from 3 submitters: Uncertain significance (3). Last evaluated 2022-08-10.

Conditions:
Charcot-Marie-Tooth disease type 4B3. Also called: Charcot-Marie-Tooth Neuropathy Type 4B3; CHARCOT-MARIE-TOOTH DISEASE, DEMYELINATING, TYPE 4B3. Identifiers: Orphanet 363981, MedGen C3695063, MONDO:0014117, OMIM 615284.

Allele frequency attached by ClinVar (database versions not stated): TOPMed below 0.00001; ExAC 0.00001; gnomAD 0.00001; gnomAD exomes 0.00001.
gnomAD v4.1: 7 of 1,614,130 alleles (0.00043%); highest among the groups gnomAD compares: African/African-American, 0.0013%; no homozygotes.

Submissions (3):

Labcorp Genetics (formerly Invitae), Labcorp
Classification: Uncertain significance. Last evaluated: 2022-08-10. Review status: criteria provided, single submitter. Criteria: Invitae Variant Classification Sherloc (09022015). Collection method: clinical testing. Allele origin: germline.
Comment: This sequence change replaces threonine, which is neutral and polar, with serine, which is neutral and polar, at codon 1023 of the SBF1 protein (p.Thr1023Ser). This variant is present in population databases (rs548786259, gnomAD 0.003%). This variant has not been reported in the literature in individuals affected with SBF1-related conditions. ClinVar contains an entry for this variant (Variation ID: 1388035). Algorithms developed to predict the effect of missense changes on protein structure and function are either unavailable or do not agree on the potential impact of this missense change (SIFT: "Tolerated"; PolyPhen-2: "Probably Damaging"; Align-GVGD: "Class C0"). In summary, the available evidence is currently insufficient to determine the role of this variant in disease. Therefore, it has been classified as a Variant of Uncertain Significance.

Fulgent Genetics
Classification: Uncertain significance for Charcot-Marie-Tooth disease type 4B3. Last evaluated: 2021-08-31. Review status: criteria provided, single submitter. Criteria: ACMG Guidelines, 2015. Collection method: clinical testing. Allele origin: unknown.

Ambry Genetics
Classification: Uncertain significance. Last evaluated: 2021-07-06. Review status: criteria provided, single submitter. Criteria: Ambry Variant Classification Scheme 2023. Collection method: clinical testing. Allele origin: germline.